The following is an entry in ClinVar:

NM_020738.4(KIDINS220):c.360A>G (p.Val120=)

Gene: KIDINS220 (kinase D interacting substrate 220; minus strand). Cytogenetic location: 2p25.1.
Variant type: single nucleotide variant.
Coding change: c.360A>G on transcript NM_020738.4 (MANE Select); coding-DNA position 360, A replaced by G.
Protein change: p.Val120=; no amino-acid change (valine 120 retained).
Molecular consequence: synonymous variant. On other transcripts: non-coding transcript variant (2).
Genome position (GRCh38, 1-based): chr2:8,813,282, T>C on the plus strand (A>G on the coding strand, the complement: KIDINS220 is on the minus strand). VCF-style: chr2-8813282-T-C. GRCh37 (hg19) VCF-style: chr2-8953412-T-C.
Other names: c.360A>G, p.Val120= (NM_001348729.2, NM_001348731.2, NM_001348732.2 and 9 more transcripts); c.234A>G, p.Val78= (NM_001348736.2).
Identifiers: ClinVar variation 4999329 (VCV004999329.1).
Genomic context (GRCh38, chr2:8,813,282, plus strand): 5'-TTTGTTAATGCTTACCAGACCAGTGACACTTGGATTGGCACCATGAGAAAGAAGCAACTC[T>C]ACTACGTCAGTACGGCCTTTGTAACATGCCCACATAAGAGCTGTCCATCCTCCCTAAACA-3'
Protein context (NP_065789.1, residues 110-130): WACYKGRTDV[Val120=]ELLLSHGANP

ClinVar aggregate classification (germline): Likely benign (1 of 4 stars; one submission).

Conditions:
KIDINS220-related disorder. Also called: KIDINS220-related condition.

Submission:

PreventionGenetics, part of Exact Sciences
Classification: Likely benign for KIDINS220-related condition. Last evaluated: 2025-02-05. Review status: criteria provided, single submitter. Criteria: ACMG Guidelines, 2015. Collection method: clinical testing. Allele origin: germline.
Comment: This variant is classified as likely benign based on ACMG/AMP sequence variant interpretation guidelines (Richards et al. 2015 PMID: 25741868, with internal and published modifications).